The following is an entry in ClinVar:

ClinVar aggregate classification (germline): Uncertain significance (1 of 4 stars; one submission).

gnomAD v4.1: 1 of 1,609,740 alleles (0.000062%); no homozygotes.

Submission:

CeGaT Center for Human Genetics Tuebingen
Classification: Uncertain significance. Last evaluated: 2024-09-01. Review status: criteria provided, single submitter. Criteria: CeGaT Center For Human Genetics Tuebingen Variant Classification Criteria Version 2. Collection method: clinical testing. Allele origin: germline. Affected: yes. Observed: 1 variant allele.
Comment: FAT4: PM2, BP4

NM_001291303.3(FAT4):c.7022C>T (p.Ser2341Phe)

Gene: FAT4 (FAT atypical cadherin 4; plus strand). Cytogenetic location: 4q28.1.
Variant type: single nucleotide variant.
Coding change: c.7022C>T on transcript NM_001291303.3 (MANE Select); coding-DNA position 7022, C replaced by T.
Protein change: p.Ser2341Phe; replaces serine 2341 with phenylalanine.
Molecular consequence: missense variant.
Genome position (GRCh38, 1-based): chr4:125,434,248, C>T. VCF-style: chr4-125434248-C-T. GRCh37 (hg19) VCF-style: chr4-126355403-C-T.
Other names: c.7022C>T, p.Ser2341Phe (NM_001291285.3, NM_024582.6); short protein forms S2341F.
Identifiers: ClinVar variation 3389567 (VCV003389567.14).